The following is an entry in ClinVar:

NM_003072.5(SMARCA4):c.278T>C (p.Met93Thr)

Gene: SMARCA4 (SWI/SNF related BAF chromatin remodeling complex subunit ATPase 4; plus strand). Cytogenetic location: 19p13.2.
Variant type: single nucleotide variant.
Coding change: c.278T>C on transcript NM_003072.5 (MANE Select); coding-DNA position 278, T replaced by C.
Protein change: p.Met93Thr; replaces methionine 93 with threonine.
Molecular consequence: missense variant. On other transcripts: non-coding transcript variant (1).
Genome position (GRCh38, 1-based): chr19:10,985,328, T>C. VCF-style: chr19-10985328-T-C. GRCh37 (hg19) VCF-style: chr19-11096004-T-C.
Other names: c.278T>C, p.Met93Thr (NM_001128844.3, NM_001128845.2, NM_001128846.2 and 6 more transcripts); short protein forms M93T.
Identifiers: ClinVar variation 1796031 (VCV001796031.2), dbSNP rs2145750330, ClinGen allele CA404055199.
Genomic context (GRCh38, chr19:10,985,328, plus strand): 5'-CGCAGCCCATGGAGTCCATGCATGAGAAGGGCATGTCGGACGACCCGCGCTACAACCAGA[T>C]GAAAGGAATGGGGATGCGGTCAGGGGGCCATGCTGGGATGGGGCCCCCGCCCAGCCCCAT-3'
Protein context (NP_003063.2, residues 83-103): GMSDDPRYNQ[Met93Thr]KGMGMRSGGH

ClinVar aggregate classification (germline): Uncertain significance (1 of 4 stars; one submission).

Conditions:
Hereditary cancer-predisposing syndrome. Also called: Tumor predisposition; Hereditary Cancer Syndrome; Neoplastic Syndromes, Hereditary; Hereditary neoplastic syndrome. Identifiers: Orphanet 140162, MedGen C0027672, MeSH D009386, MONDO:0015356.

Submission:

Ambry Genetics
Classification: Uncertain significance for Hereditary cancer-predisposing syndrome. Last evaluated: 2022-03-09. Review status: criteria provided, single submitter. Criteria: Ambry Variant Classification Scheme 2023. Collection method: clinical testing. Allele origin: germline.
Comment: The p.M93T variant (also known as c.278T>C), located in coding exon 2 of the SMARCA4 gene, results from a T to C substitution at nucleotide position 278. The methionine at codon 93 is replaced by threonine, an amino acid with similar properties. This amino acid position is highly conserved in available vertebrate species. In addition, this alteration is predicted to be deleterious by in silico analysis. Since supporting evidence is limited at this time, the clinical significance of this alteration remains unclear.